The following is an entry in ClinVar:

ClinVar aggregate classification (germline): Conflicting classifications of pathogenicity. Review status: criteria provided, conflicting classifications (1 of 4 stars). 2 submissions from 2 submitters: Uncertain significance (1); Likely benign (1). Last evaluated 2022-08-22.

Conditions:
Dyskeratosis congenita. Identifiers: Orphanet 1775, MedGen C0265965, MONDO:0015780.
Dyskeratosis congenita, autosomal dominant 2. Identifiers: MedGen C3151443, MONDO:0013521, OMIM 613989.
Idiopathic Pulmonary Fibrosis. Also called: Idiopathic fibrosing alveolitis, chronic form; idiopathic fibrosing alveolitis. Identifiers: Orphanet 2032, MedGen C1800706, MeSH D054990, MONDO:0800504.

Submissions (2):

Labcorp Genetics (formerly Invitae), Labcorp
Classification: Uncertain significance for Dyskeratosis congenita, autosomal dominant 2; Idiopathic Pulmonary Fibrosis. Last evaluated: 2022-08-22. Review status: criteria provided, single submitter. Criteria: Invitae Variant Classification Sherloc (09022015). Collection method: clinical testing. Allele origin: germline.
Comment: In summary, the available evidence is currently insufficient to determine the role of this variant in disease. Therefore, it has been classified as a Variant of Uncertain Significance. Advanced modeling of protein sequence and biophysical properties (such as structural, functional, and spatial information, amino acid conservation, physicochemical variation, residue mobility, and thermodynamic stability) performed at Invitae indicates that this missense variant is not expected to disrupt TERT protein function. ClinVar contains an entry for this variant (Variation ID: 539185). This variant has not been reported in the literature in individuals affected with TERT-related conditions. This variant is not present in population databases (gnomAD no frequency). This sequence change replaces threonine, which is neutral and polar, with methionine, which is neutral and non-polar, at codon 509 of the TERT protein (p.Thr509Met).

Ambry Genetics
Classification: Likely benign for Dyskeratosis congenita. Last evaluated: 2022-01-30. Review status: criteria provided, single submitter. Criteria: Ambry Variant Classification Scheme 2023. Collection method: clinical testing. Allele origin: germline.

NM_198253.3(TERT):c.1526C>T (p.Thr509Met)

Gene: TERT (telomerase reverse transcriptase; minus strand). Cytogenetic location: 5p15.33.
Variant type: single nucleotide variant.
Coding change: c.1526C>T on transcript NM_198253.3 (MANE Select); coding-DNA position 1526, C replaced by T.
Protein change: p.Thr509Met; replaces threonine 509 with methionine.
Molecular consequence: missense variant. On other transcripts: non-coding transcript variant (2).
Genome position (GRCh38, 1-based): chr5:1,293,360, G>A on the plus strand (C>T on the coding strand, the complement: TERT is on the minus strand). VCF-style: chr5-1293360-G-A. GRCh37 (hg19) VCF-style: chr5-1293475-G-A.
Other names: c.1526C>T, p.Thr509Met (NM_001193376.3); short protein forms T509M.
Identifiers: ClinVar variation 539185 (VCV000539185.13), dbSNP rs1554042799, ClinGen allele CA359085170.